The following is an entry in ClinVar:

ClinVar aggregate classification (germline): Uncertain significance (1 of 4 stars; one submission).

Conditions:
Wilms tumor 1 (WT1). Also called: Wilms tumor, somatic. Identifiers: Orphanet 654, MedGen CN033288, MONDO:0008679, OMIM 194070.
11p partial monosomy syndrome (WAGR). Also called: WAGR Spectrum Disorder; WAGR Complex; WAGR syndrome; CHROMOSOME 11p13 DELETION SYNDROME. Identifiers: Orphanet 893, MedGen C0206115, MONDO:0008681, OMIM 194072.
Drash syndrome (DDS). Also called: NEPHROPATHY, WILMS TUMOR, AND GENITAL ANOMALIES; WILMS TUMOR AND PSEUDO- OR TRUE HERMAPHRODITISM. Identifiers: Orphanet 220, MedGen C0950121, MONDO:0008682, OMIM 194080.
Frasier syndrome. Identifiers: Orphanet 347, MedGen C0950122, MeSH D052159, MONDO:0007635, OMIM 136680.

Submission:

Labcorp Genetics (formerly Invitae), Labcorp
Classification: Uncertain significance for Wilms tumor 1; Drash syndrome; 11p partial monosomy syndrome; Frasier syndrome. Last evaluated: 2020-01-31. Review status: criteria provided, single submitter. Criteria: Invitae Variant Classification Sherloc (09022015). Collection method: clinical testing. Allele origin: germline.
Comment: This sequence change replaces leucine with phenylalanine at codon 206 of the WT1 protein (p.Leu206Phe). The leucine residue is highly conserved and there is a small physicochemical difference between leucine and phenylalanine. This variant is not present in population databases (ExAC no frequency). This variant has not been reported in the literature in individuals with WT1-related conditions. Algorithms developed to predict the effect of missense changes on protein structure and function are either unavailable or do not agree on the potential impact of this missense change (SIFT: "Deleterious"; PolyPhen-2: "Possibly Damaging"; Align-GVGD: "Class C0"). In summary, the available evidence is currently insufficient to determine the role of this variant in disease. Therefore, it has been classified as a Variant of Uncertain Significance.

NM_024426.6(WT1):c.631C>T (p.Leu211Phe)

Genes: WT1 (WT1 transcription factor; minus strand), LOC107982234 (WT1/WT1-AS bi-directional promoter region; plus strand). Cytogenetic location: 11p13.
Variant type: single nucleotide variant.
Coding change: c.631C>T on transcript NM_024426.6 (MANE Select); coding-DNA position 631, C replaced by T.
Protein change: p.Leu211Phe; replaces leucine 211 with phenylalanine.
Molecular consequence: missense variant. On other transcripts: non-coding transcript variant (1).
Genome position (GRCh38, 1-based): chr11:32,434,730, G>A on the plus strand (C>T on the coding strand, the complement: WT1 is on the minus strand). VCF-style: chr11-32434730-G-A. GRCh37 (hg19) VCF-style: chr11-32456276-G-A.
Other names: c.631C>T, p.Leu211Phe (NM_000378.6, NM_024424.5); short protein forms L211F.
Identifiers: ClinVar variation 1037047 (VCV001037047.13), dbSNP rs1853433365, ClinGen allele CA379964484.